The following is an entry in ClinVar:

NM_003151.4(STAT4):c.670G>T (p.Asp224Tyr)

Gene: STAT4 (signal transducer and activator of transcription 4; minus strand). Cytogenetic location: 2q32.2.
Variant type: single nucleotide variant.
Coding change: c.670G>T on transcript NM_003151.4 (MANE Select); coding-DNA position 670, G replaced by T.
Protein change: p.Asp224Tyr; replaces aspartic acid 224 with tyrosine.
Molecular consequence: missense variant.
Genome position (GRCh38, 1-based): chr2:191,064,919, C>A on the plus strand (G>T on the coding strand, the complement: STAT4 is on the minus strand). VCF-style: chr2-191064919-C-A. GRCh37 (hg19) VCF-style: chr2-191929645-C-A.
Other names: c.670G>T (NM_003151.3); c.670G>T, p.Asp224Tyr (NM_001243835.2); short protein forms D224Y.
Identifiers: ClinVar variation 2764884 (VCV002764884.4), dbSNP rs2470774446, ClinGen allele CA349917275.
Genomic context (GRCh38, chr2:191,064,919, plus strand): 5'-TTTGCTGCCGCCGCTTCCAGTCTTGCAGCTCTTCTATGAGCATGGTGTTCATTAACAGGT[C>A]TGTCTCATGGATGATTTGGGTCATTTTACTGAGAGCCTCCTAAAAACAAAGGGGACTACT-3'
Protein context (NP_003142.1, residues 214-234): SKMTQIIHET[Asp224Tyr]LLMNTMLIEE

ClinVar aggregate classification (germline): Uncertain significance. Review status: criteria provided, multiple submitters, no conflicts (2 of 4 stars). 2 submissions from 2 submitters: Uncertain significance (2). Last evaluated 2026-01-14.

Conditions:
STAT4-related disorder. Also called: STAT4-related condition.

Submissions (2):

PreventionGenetics, part of Exact Sciences
Classification: Uncertain significance for STAT4-related condition. Last evaluated: 2026-01-14. Review status: criteria provided, single submitter. Criteria: ACMG Guidelines, 2015. Collection method: clinical testing. Allele origin: germline.
Comment: The STAT4 c.670G>T variant is predicted to result in the amino acid substitution p.Asp224Tyr. To our knowledge, this variant has not been reported in the literature or in a large population database (gnomAD), indicating this variant is rare. At this time, the clinical significance of this variant is uncertain due to the absence of conclusive functional and genetic evidence.

Labcorp Genetics (formerly Invitae), Labcorp
Classification: Uncertain significance. Last evaluated: 2024-07-15. Review status: criteria provided, single submitter. Criteria: Invitae Variant Classification Sherloc (09022015). Collection method: clinical testing. Allele origin: germline.
Comment: This sequence change replaces aspartic acid, which is acidic and polar, with tyrosine, which is neutral and polar, at codon 224 of the STAT4 protein (p.Asp224Tyr). This variant is not present in population databases (gnomAD no frequency). This variant has not been reported in the literature in individuals affected with STAT4-related conditions. Advanced modeling of protein sequence and biophysical properties (such as structural, functional, and spatial information, amino acid conservation, physicochemical variation, residue mobility, and thermodynamic stability) performed at Invitae indicates that this missense variant is expected to disrupt STAT4 protein function with a positive predictive value of 80%. In summary, the available evidence is currently insufficient to determine the role of this variant in disease. Therefore, it has been classified as a Variant of Uncertain Significance.